The following is an entry in ClinVar:

ClinVar aggregate classification (germline): Uncertain significance. Review status: criteria provided, multiple submitters, no conflicts (2 of 4 stars). 2 submissions from 2 submitters: Uncertain significance (2). Last evaluated 2025-07-13.

Conditions:
Primary ciliary dyskinesia. Also called: Ciliary dyskinesia. Identifiers: Orphanet 244, MedGen C0008780, MONDO:0016575, HP:0012265.
Retinitis pigmentosa 3. Also called: CHOROIDORETINAL DEGENERATION WITH RETINAL REFLEX IN HETEROZYGOUS WOMEN. Identifiers: Orphanet 791, MedGen C1845667, MONDO:0010227, OMIM 300029.

Submissions (2):

Labcorp Genetics (formerly Invitae), Labcorp
Classification: Uncertain significance for Primary ciliary dyskinesia. Last evaluated: 2025-07-13. Review status: criteria provided, single submitter. Criteria: Invitae Variant Classification Sherloc (09022015). Collection method: clinical testing. Allele origin: germline.
Comment: This sequence change replaces glutamic acid, which is acidic and polar, with lysine, which is basic and polar, at codon 104 of the RPGR protein (p.Glu104Lys). This variant also falls at the last nucleotide of exon 4, which is part of the consensus splice site for this exon. This variant is not present in population databases (gnomAD no frequency). This missense change has been observed in individual(s) with clinical features of RPGR-related conditions (PMID: 34906470, 38117582). ClinVar contains an entry for this variant (Variation ID: 1065786). An algorithm developed to predict the effect of missense changes on protein structure and function (PolyPhen-2) suggests that this variant is likely to be tolerated. Variants that disrupt the consensus splice site are a relatively common cause of aberrant splicing (PMID: 17576681, 9536098). Algorithms developed to predict the effect of sequence changes on RNA splicing suggest that this variant may disrupt the consensus splice site. In summary, the available evidence is currently insufficient to determine the role of this variant in disease. Therefore, it has been classified as a Variant of Uncertain Significance.

Ocular Genomics Institute, Massachusetts Eye and Ear
Classification: Uncertain significance for Retinitis pigmentosa 3. Last evaluated: 2021-04-08. Review status: criteria provided, single submitter. Criteria: ACMG Guidelines, 2015. Collection method: research. Allele origin: germline. Affected: yes.
Comment: Through a review of available evidence we were able to apply the following criteria: PM2. Based on this evidence we have classified this variant as Variant of Uncertain Significance.

Literature cited by the submitters: PubMed 34906470 (cited by Labcorp Genetics (formerly Invitae), Labcorp); PubMed 38117582 (cited by Labcorp Genetics (formerly Invitae), Labcorp); PubMed 17576681 (cited by Labcorp Genetics (formerly Invitae), Labcorp); PubMed 9536098 (cited by Labcorp Genetics (formerly Invitae), Labcorp).

NM_001034853.2(RPGR):c.310G>A (p.Glu104Lys)

Gene: RPGR (retinitis pigmentosa GTPase regulator; minus strand). Cytogenetic location: Xp11.4.
Variant type: single nucleotide variant.
Coding change: c.310G>A on transcript NM_001034853.2 (MANE Select); coding-DNA position 310, G replaced by A.
Protein change: p.Glu104Lys; replaces glutamic acid 104 with lysine.
Molecular consequence: missense variant. On other transcripts: non-coding transcript variant (6).
Genome position (GRCh38, 1-based): chrX:38,321,027, C>T on the plus strand (G>A on the coding strand, the complement: RPGR is on the minus strand). VCF-style: chrX-38321027-C-T. GRCh37 (hg19) VCF-style: chrX-38180280-C-T.
Other names: c.310G>A, p.Glu104Lys (NM_000328.3, NM_001367245.1, NM_001367246.1 and 3 more transcripts); c.340G>A, p.Glu114Lys (NM_001367248.1); c.310G>A, p.Gly104Arg (NM_001367249.1); short protein forms E104K, E114K, G104R.
Identifiers: ClinVar variation 1065786 (VCV001065786.2), dbSNP rs1601978823, ClinGen allele CA412745350.